The following is an entry in ClinVar:

ClinVar aggregate classification (germline): Pathogenic (1 of 4 stars; one submission).

Submission:

Quest Diagnostics Nichols Institute San Juan Capistrano
Classification: Pathogenic. Last evaluated: 2024-07-30. Review status: criteria provided, single submitter. Criteria: ACMG/ClinGen CNV Guidelines, 2019. Collection method: clinical testing. Allele origin: unknown.
Comment: This copy number loss involves multiple exons (NM_022893.4) of the 3' portion of BCL11A (OMIM 606557). Haploinsufficiency of BCL11A is associated with autosomal dominant intellectual developmental disorder with persistence of fetal hemoglobin, also known as Dias-Logan syndrome (OMIM 617101; Korenke 2020, Balci 2015, Ganapathy 2019, Peter 2014).There are no similar copy number losses of this region in the general populations of the Database of Genomic Variants, this copy number variant (CNV) is classified as pathogenic. References: Balci et al., Eur J Med Genet. 2015 Jun-Jul;58(6-7):351-4. PMID: 25979662 Ganapathy et al., J Neurol. 2019 Aug;266(8):1919-1926. PMID: 31069529 Korenke et al., Mol Syndromol. 2020 Jul;11(3):135-140. PMID: 32903878 Peter et al., Am J Med Genet A. 2014 Aug;164A(8):2091-6. PMID: 24810580

GRCh37/hg19 2p16.1(chr2:60641519-60708024)x1

Gene: BCL11A (BCL11 transcription factor A; minus strand). Cytogenetic location: 2p16.1.
Variant type: copy number loss.
Change: copy number 1 (one copy instead of two) of chr2:60,641,519-60,708,024 (66.5 kb, GRCh37 coordinates, 1-based), cytogenetic band 2p16.1.
Identifiers: ClinVar variation 4682543 (VCV004682543.1).